The following is an entry in ClinVar:

ClinVar aggregate classification (germline): Uncertain significance. Review status: criteria provided, multiple submitters, no conflicts (2 of 4 stars). 2 submissions from 2 submitters: Uncertain significance (2). Last evaluated 2025-03-27.

Conditions:
Hyperparathyroidism 2 with jaw tumors. Also called: Hyperparathyroidism 2; HYPERPARATHYROIDISM, FAMILIAL PRIMARY, WITH MULTIPLE OSSIFYING JAW FIBROMAS; HYPERPARATHYROIDISM-JAW TUMOR SYNDROME, HEREDITARY; Hyperparathyroidism-Jaw Tumor Syndrome. Identifiers: Orphanet 99880, MedGen C1704981, MONDO:0007768, OMIM 145001.
Parathyroid carcinoma (PRTC). Also called: Parathyroid gland carcinoma; CDC73-Related Parathyroid Carcinoma. Identifiers: Orphanet 143, MedGen C0687150, MONDO:0012004, OMIM 608266, HP:0006780.

Submissions (2):

3billion
Classification: Uncertain significance for Hyperparathyroidism 2 with jaw tumors. Last evaluated: 2025-03-27. Review status: criteria provided, single submitter. Criteria: ACMG Guidelines, 2015. Collection method: clinical testing. Allele origin: germline. Affected: yes.

Labcorp Genetics (formerly Invitae), Labcorp
Classification: Uncertain significance for Parathyroid carcinoma. Last evaluated: 2024-08-31. Review status: criteria provided, single submitter. Criteria: Invitae Variant Classification Sherloc (09022015). Collection method: clinical testing. Allele origin: germline.
Comment: This sequence change replaces histidine, which is basic and polar, with tyrosine, which is neutral and polar, at codon 528 of the CDC73 protein (p.His528Tyr). This variant is not present in population databases (gnomAD no frequency). This variant has not been reported in the literature in individuals affected with CDC73-related conditions. Invitae Evidence Modeling of protein sequence and biophysical properties (such as structural, functional, and spatial information, amino acid conservation, physicochemical variation, residue mobility, and thermodynamic stability) indicates that this missense variant is not expected to disrupt CDC73 protein function with a negative predictive value of 80%. In summary, the available evidence is currently insufficient to determine the role of this variant in disease. Therefore, it has been classified as a Variant of Uncertain Significance.

NM_024529.5(CDC73):c.1582C>T (p.His528Tyr)

Gene: CDC73 (cell division cycle 73; plus strand). Cytogenetic location: 1q31.2.
Variant type: single nucleotide variant.
Coding change: c.1582C>T on transcript NM_024529.5 (MANE Select); coding-DNA position 1582, C replaced by T.
Protein change: p.His528Tyr; replaces histidine 528 with tyrosine.
Molecular consequence: missense variant.
Genome position (GRCh38, 1-based): chr1:193,250,698, C>T. VCF-style: chr1-193250698-C-T. GRCh37 (hg19) VCF-style: chr1-193219828-C-T.
Other names: short protein forms H528Y.
Identifiers: ClinVar variation 3690162 (VCV003690162.3).